The following is an entry in ClinVar:

ClinVar aggregate classification (germline): Uncertain significance (1 of 4 stars; one submission).

Conditions:
Gingival disorder. Also called: Gingival disease. Identifiers: MedGen C0017563, MONDO:0002021.

Submission:

Labcorp Genetics (formerly Invitae), Labcorp
Classification: Uncertain significance for Gingival disorder. Last evaluated: 2023-12-22. Review status: criteria provided, single submitter. Criteria: Invitae Variant Classification Sherloc (09022015). Collection method: clinical testing. Allele origin: germline.
Comment: This sequence change creates a premature translational stop signal (p.Trp183*) in the FPR1 gene. While this is not anticipated to result in nonsense mediated decay, it is expected to disrupt the last 168 amino acid(s) of the FPR1 protein. This variant is not present in population databases (gnomAD no frequency). This variant has not been reported in the literature in individuals affected with FPR1-related conditions. Algorithms developed to predict the effect of sequence changes on RNA splicing suggest that this variant may create or strengthen a splice site. In summary, the available evidence is currently insufficient to determine the role of this variant in disease. Therefore, it has been classified as a Variant of Uncertain Significance.

NM_002029.4(FPR1):c.548G>A (p.Trp183Ter)

Gene: FPR1 (formyl peptide receptor 1; minus strand). Cytogenetic location: 19q13.41.
Variant type: single nucleotide variant.
Coding change: c.548G>A on transcript NM_002029.4 (MANE Select); coding-DNA position 548, G replaced by A.
Protein change: p.Trp183Ter; replaces tryptophan 183 with a stop codon.
Molecular consequence: nonsense.
Genome position (GRCh38, 1-based): chr19:51,746,447, C>T on the plus strand (G>A on the coding strand, the complement: FPR1 is on the minus strand). VCF-style: chr19-51746447-C-T. GRCh37 (hg19) VCF-style: chr19-52249700-C-T.
Other names: c.548G>A, p.Trp183Ter (NM_001193306.2); short protein forms W183*.
Identifiers: ClinVar variation 2983753 (VCV002983753.3), dbSNP rs2513920230, ClinGen allele CA407118237.